The following is an entry in ClinVar:

ClinVar aggregate classification (germline): Benign. Review status: criteria provided, multiple submitters, no conflicts (2 of 4 stars). 11 submissions from 11 submitters: Benign (11). Last evaluated 2026-02-04.

Conditions:
Cardiovascular phenotype. Identifiers: MedGen CN230736.
Cardiac arrhythmia. Also called: Arrhythmia; Cardiac rhythm disease. Identifiers: MedGen C0003811, MONDO:0007263, HP:0011675.
Long QT syndrome (LQTS). Identifiers: MedGen C0023976, MeSH D008133, MONDO:0002442. Disease mechanism: loss of function. Inheritance: Various modes of inheritance.
Long QT syndrome 2 (LQT2). Identifiers: Orphanet 101016, Orphanet 768, MedGen C3150943, MONDO:0013367, OMIM 613688.

Allele frequency attached by ClinVar (database versions not stated): gnomAD exomes 0.00119 and 0.00331; ExAC 0.00410; gnomAD 0.01293 and 0.01398; TOPMed 0.01397; ESP Exome Variant Server 0.01538; 1000 Genomes Project 0.01558; 1000 Genomes Project 30x 0.01671.
gnomAD v4.1: 3,756 of 1,614,174 alleles (0.23%); highest among the groups gnomAD compares: African/African-American, 4.3%; 75 homozygotes.

Submissions (11):

Labcorp Genetics (formerly Invitae), Labcorp
Classification: Benign for Long QT syndrome. Last evaluated: 2026-02-04. Review status: criteria provided, single submitter. Criteria: Invitae Variant Classification Sherloc (09022015). Collection method: clinical testing. Allele origin: germline.

Molecular Diagnostic Laboratory for Inherited Cardiovascular Disease, Montreal Heart Institute
Classification: Benign. Last evaluated: 2025-04-09. Review status: criteria provided, single submitter. Criteria: ACMG Guidelines, 2015. Collection method: clinical testing. Allele origin: germline. Affected: no.

ARUP Laboratories, Molecular Genetics and Genomics, ARUP Laboratories
Classification: Benign. Last evaluated: 2024-12-07. Review status: criteria provided, single submitter. Criteria: ARUP Molecular Germline Variant Investigation Process 2024. Collection method: clinical testing. Allele origin: germline.

All of Us Research Program, National Institutes of Health
Classification: Benign for Long QT syndrome. Last evaluated: 2024-02-05. Review status: criteria provided, single submitter. Criteria: ACMG Guidelines, 2015. Collection method: clinical testing. Allele origin: germline. Inheritance: Autosomal dominant inheritance. Observed: 740 variant alleles, 726 heterozygotes, 14 homozygotes.
Comment: This study involves interpretation of variants in research participants for the purpose of population health screening. Participant phenotype was not available at the time of variant classification. Additional details can be found in publication PMID: 35346344, PMCID: PMC8962531

Color Diagnostics, LLC DBA Color Health
Classification: Benign for Arrhythmia. Last evaluated: 2018-03-16. Review status: criteria provided, single submitter. Criteria: ACMG Guidelines, 2015. Collection method: clinical testing. Allele origin: germline.

Athena Diagnostics
Classification: Benign. Last evaluated: 2018-02-06. Review status: criteria provided, single submitter. Criteria: Athena Diagnostics Criteria. Collection method: clinical testing. Allele origin: germline.

Illumina Laboratory Services, Illumina
Classification: Benign for Long QT syndrome 2. Last evaluated: 2018-01-13. Review status: criteria provided, single submitter. Criteria: ICSL Variant Classification Criteria 13 December 2019. Collection method: clinical testing. Allele origin: germline.
Comment: This variant was observed in the ICSL laboratory as part of a predisposition screen in an ostensibly healthy population. It had not been previously curated by ICSL or reported in the Human Gene Mutation Database (HGMD: prior to June 1st, 2018), and was therefore a candidate for classification through an automated scoring system. Utilizing variant allele frequency, disease prevalence and penetrance estimates, and inheritance mode, an automated score was calculated to assess if this variant is too frequent to cause the disease. Based on the score and internal cut-off values, a variant classified as benign is not then subjected to further curation. The score for this variant resulted in a classification of benign for this disease.

Mayo Clinic Laboratories, Mayo Clinic
Classification: Benign. Last evaluated: 2016-06-28. Review status: criteria provided, single submitter. Criteria: ACMG Guidelines, 2015. Collection method: clinical testing. Allele origin: germline. Observed: 17 variant alleles.

Ambry Genetics
Classification: Benign for Cardiovascular phenotype. Last evaluated: 2015-06-26. Review status: criteria provided, single submitter. Criteria: Ambry Variant Classification Scheme 2023. Collection method: clinical testing. Allele origin: germline.

GeneDx
Classification: Benign. Last evaluated: 2015-03-03. Review status: criteria provided, single submitter. Criteria: GeneDx Variant Classification Process June 2021. Collection method: clinical testing. Allele origin: germline. Affected: yes.

Breakthrough Genomics
Classification: Benign. Review status: criteria provided, single submitter. Criteria: ACMG Guidelines, 2015. Collection method: not provided. Allele origin: germline. Inheritance: Autosomal dominant inheritance. Affected: yes.

NM_000238.4(KCNH2):c.1809C>T (p.Gly603=)

Gene: KCNH2 (potassium voltage-gated channel subfamily H member 2; minus strand). Cytogenetic location: 7q36.1.
Variant type: single nucleotide variant.
Coding change: c.1809C>T on transcript NM_000238.4 (MANE Select); coding-DNA position 1809, C replaced by T.
Protein change: p.Gly603=; no amino-acid change (glycine 603 retained).
Molecular consequence: synonymous variant. On other transcripts: non-coding transcript variant (2).
Genome position (GRCh38, 1-based): chr7:150,951,584, G>A on the plus strand (C>T on the coding strand, the complement: KCNH2 is on the minus strand). VCF-style: chr7-150951584-G-A. GRCh37 (hg19) VCF-style: chr7-150648672-G-A.
Other names: p.Gly603=; c.1809C>T (NM_000238.2); c.789C>T, p.Gly263= (NM_001204798.2, NM_172057.3); c.1521C>T, p.Gly507= (NM_001406753.1, NM_001406756.1); c.1632C>T, p.Gly544= (NM_001406755.1); c.1509C>T, p.Gly503= (NM_001406757.1); c.1809C>T, p.Gly603= (NM_172056.3).
Identifiers: ClinVar variation 220202 (VCV000220202.38), dbSNP rs41314375, ClinGen allele CA029511.